The following is an entry in ClinVar:

ClinVar aggregate classification (germline): Likely benign (1 of 4 stars; one submission).

Submission:

Mayo Clinic Laboratories, Mayo Clinic
Classification: Likely benign. Last evaluated: 2025-08-14. Review status: criteria provided, single submitter. Criteria: ACMG Guidelines, 2015. Collection method: clinical testing. Allele origin: germline. Observed: 1 variant allele.
Comment: BP4, BP7

NM_001243279.3(ACSF3):c.823-27_823-26insCACCGAGTGCTTCCTTTCCTCCGCCGCCGTGGGTCTCTGCCTGCTCATCTTCC

Gene: ACSF3 (acyl-CoA synthetase family member 3; plus strand). Cytogenetic location: 16q24.3.
Variant type: Insertion.
Coding change: c.823-27_823-26insCACCGAGTGCTTCCTTTCCTCCGCCGCCGTGGGTCTCTGCCTGCTCATCTTCC on transcript NM_001243279.3 (MANE Select); 27 bases into the intron before coding-DNA position 823 through 26 bases into the intron before coding-DNA position 823, CACCGAGTGCTTCCTTTCCTCCGCCGCCGTGGGTCTCTGCCTGCTCATCTTCC inserted.
Molecular consequence: intron variant.
Genome position: GRCh38: chr16:89,112,065-89,112,066. GRCh37 (hg19): chr16:89,178,473-89,178,474.
Other names: p.?; c.823-27_823-26insCACCGAGTGCTTCCTTTCCTCCGCCGCCGTGGGTCTCTGCCTGCTCATCTTCC (NM_001127214.4, NM_174917.5); c.28-27_28-26insCACCGAGTGCTTCCTTTCCTCCGCCGCCGTGGGTCTCTGCCTGCTCATCTTCC (NM_001284316.2).
Identifiers: ClinVar variation 4684165 (VCV004684165.1).